The following is an entry in ClinVar:

NM_003280.3(TNNC1):c.418G>A (p.Gly140Arg)

Gene: TNNC1 (troponin C1, slow skeletal and cardiac type; minus strand). Cytogenetic location: 3p21.1.
Variant type: single nucleotide variant.
Coding change: c.418G>A on transcript NM_003280.3 (MANE Select); coding-DNA position 418, G replaced by A.
Protein change: p.Gly140Arg; replaces glycine 140 with arginine.
Molecular consequence: missense variant.
Genome position (GRCh38, 1-based): chr3:52,451,427, C>T on the plus strand (G>A on the coding strand, the complement: TNNC1 is on the minus strand). VCF-style: chr3-52451427-C-T. GRCh37 (hg19) VCF-style: chr3-52485443-C-T.
Other names: short protein forms G140R.
Identifiers: ClinVar variation 960916 (VCV000960916.10), dbSNP rs752100917, ClinGen allele CA2438499.

ClinVar aggregate classification (germline): Uncertain significance. Review status: criteria provided, multiple submitters, no conflicts (2 of 4 stars). 2 submissions from 2 submitters: Uncertain significance (2). Last evaluated 2025-12-26.

Conditions:
Dilated cardiomyopathy 1Z (CMD1Z). Identifiers: Orphanet 154, MedGen C2678475, MONDO:0012745, OMIM 611879.
Hypertrophic cardiomyopathy 13. Also called: TNNC1-Related Familial Hypertrophic Cardiomyopathy. Identifiers: MedGen C2750472, MONDO:0013195, OMIM 613243.
Cardiovascular phenotype. Identifiers: MedGen CN230736.

Allele frequency attached by ClinVar (database versions not stated): ExAC 0.00001; gnomAD exomes 0.00001; TOPMed 0.00001.

Submissions (2):

Labcorp Genetics (formerly Invitae), Labcorp
Classification: Uncertain significance for Hypertrophic cardiomyopathy 13; Dilated cardiomyopathy 1Z. Last evaluated: 2025-12-26. Review status: criteria provided, single submitter. Criteria: Invitae Variant Classification Sherloc (09022015). Collection method: clinical testing. Allele origin: germline.
Comment: This sequence change replaces glycine, which is neutral and non-polar, with arginine, which is basic and polar, at codon 140 of the TNNC1 protein (p.Gly140Arg). This variant is present in population databases (rs752100917, gnomAD 0.007%). This variant has not been reported in the literature in individuals affected with TNNC1-related conditions. ClinVar contains an entry for this variant (Variation ID: 960916). An algorithm developed to predict the effect of missense changes on protein structure and function (PolyPhen-2) suggests that this variant is likely to be disruptive. In summary, the available evidence is currently insufficient to determine the role of this variant in disease. Therefore, it has been classified as a Variant of Uncertain Significance.

Ambry Genetics
Classification: Uncertain significance for Cardiovascular phenotype. Last evaluated: 2025-08-09. Review status: criteria provided, single submitter. Criteria: Ambry Variant Classification Scheme 2023. Collection method: clinical testing. Allele origin: germline.